The following is an entry in ClinVar:

ClinVar aggregate classification (germline): Uncertain significance (1 of 4 stars; one submission).

Conditions:
Hereditary cancer-predisposing syndrome. Also called: Tumor predisposition; Hereditary neoplastic syndrome; Hereditary Cancer Syndrome; Neoplastic Syndromes, Hereditary. Identifiers: Orphanet 140162, MedGen C0027672, MeSH D009386, MONDO:0015356.

gnomAD v4.1: 2 of 1,609,700 alleles (0.00012%); highest among the groups gnomAD compares: Non-Finnish European, 0.00017%; no homozygotes.

Submission:

Ambry Genetics
Classification: Uncertain significance for Hereditary cancer-predisposing syndrome. Last evaluated: 2025-05-01. Review status: criteria provided, single submitter. Criteria: Ambry Variant Classification Scheme 2023. Collection method: clinical testing. Allele origin: germline.
Comment: The p.V245A variant (also known as c.734T>C), located in coding exon 4 of the RET gene, results from a T to C substitution at nucleotide position 734. The valine at codon 245 is replaced by alanine, an amino acid with similar properties. This amino acid position is conserved. In addition, this alteration is predicted to be tolerated by in silico analysis. Based on the available evidence, the clinical significance of this variant remains unclear.

NM_020975.6(RET):c.734T>C (p.Val245Ala)

Gene: RET (ret proto-oncogene; plus strand). Cytogenetic location: 10q11.21.
Variant type: single nucleotide variant.
Coding change: c.734T>C on transcript NM_020975.6 (MANE Select); coding-DNA position 734, T replaced by C.
Protein change: p.Val245Ala; replaces valine 245 with alanine.
Molecular consequence: missense variant. On other transcripts: intron variant (22), 5 prime UTR variant (1).
Genome position (GRCh38, 1-based): chr10:43,105,060, T>C. VCF-style: chr10-43105060-T-C. GRCh37 (hg19) VCF-style: chr10-43600508-T-C.
Other names: c.446T>C, p.Val149Ala (NM_001406766.1, NM_001406767.1, NM_001406770.1); c.605T>C, p.Val202Ala (NM_001406768.1, NM_001406774.1, NM_001406761.1 and 2 more transcripts); c.734T>C, p.Val245Ala (NM_001406769.1, NM_001406772.1, NM_020630.7 and 6 more transcripts); c.625+2431T>C (NM_001406773.1, NM_001406771.1, NM_001406782.1 and 5 more transcripts); c.338-3971T>C (NM_001406778.1, NM_001406775.1, NM_001406776.1 and 1 more transcripts); c.337+4338T>C (NM_001406790.1, NM_001406788.1, NM_001406789.1 and 1 more transcripts); c.496+2431T>C (NM_001406786.1, NM_001406783.1); c.74-3971T>C (NM_001406784.1); and 2 more; short protein forms V202A, V245A, V149A.
Identifiers: ClinVar variation 3944696 (VCV003944696.1).